The following is an entry in ClinVar:

ClinVar aggregate classification (germline): Uncertain significance (1 of 4 stars; one submission).

Conditions:
KIF11-related disorder. Also called: KIF11-related condition.

Allele frequency attached by ClinVar (database versions not stated): 1000 Genomes Project 30x 0.00016; 1000 Genomes Project 0.00020; ExAC 0.00001; gnomAD 0.00002.
gnomAD v4.1: 3 of 1,607,690 alleles (0.00019%); highest among the groups gnomAD compares: African/African-American, 0.004%; no homozygotes.

Submission:

PreventionGenetics, part of Exact Sciences
Classification: Uncertain significance for KIF11-related condition. Last evaluated: 2026-09-16. Review status: criteria provided, single submitter. Criteria: ACMG Guidelines, 2015. Collection method: clinical testing. Allele origin: germline.
Comment: The KIF11 c.2915C>T variant is predicted to result in the amino acid substitution p.Thr972Ile. To our knowledge, this variant has not been reported in the literature. This variant is reported in 0.0062% of alleles in individuals of African descent in gnomAD. At this time, the clinical significance of this variant is uncertain due to the absence of conclusive functional and genetic evidence.

NM_004523.4(KIF11):c.2915C>T (p.Thr972Ile)

Gene: KIF11 (kinesin family member 11; plus strand). Cytogenetic location: 10q23.33.
Variant type: single nucleotide variant.
Coding change: c.2915C>T on transcript NM_004523.4 (MANE Select); coding-DNA position 2915, C replaced by T.
Protein change: p.Thr972Ile; replaces threonine 972 with isoleucine.
Molecular consequence: missense variant.
Genome position (GRCh38, 1-based): chr10:92,649,979, C>T. VCF-style: chr10-92649979-C-T. GRCh37 (hg19) VCF-style: chr10-94409736-C-T.
Other names: short protein forms T972I.
Identifiers: ClinVar variation 2629731 (VCV002629731.2), dbSNP rs200583142, ClinGen allele CA5604491.